The following is an entry in ClinVar:

NM_144687.4(NLRP12):c.2770C>T (p.Arg924Trp)

Gene: NLRP12 (NLR family pyrin domain containing 12; minus strand). Cytogenetic location: 19q13.42.
Variant type: single nucleotide variant.
Coding change: c.2770C>T on transcript NM_144687.4 (MANE Select); coding-DNA position 2770, C replaced by T.
Protein change: p.Arg924Trp; replaces arginine 924 with tryptophan.
Molecular consequence: missense variant. On other transcripts: intron variant (1).
Genome position (GRCh38, 1-based): chr19:53,798,400, G>A on the plus strand (C>T on the coding strand, the complement: NLRP12 is on the minus strand). VCF-style: chr19-53798400-G-A. GRCh37 (hg19) VCF-style: chr19-54301654-G-A.
Other names: c.2773C>T, p.Arg925Trp (NM_001277126.2); c.2757-2371C>T (NM_001277129.1); c.2770C>T (NM_144687.2); short protein forms R924W, R925W.
Identifiers: ClinVar variation 1041336 (VCV001041336.9), dbSNP rs761231693, ClinGen allele CA9638906.

ClinVar aggregate classification (germline): Uncertain significance. Review status: criteria provided, multiple submitters, no conflicts (2 of 4 stars). 2 submissions from 2 submitters: Uncertain significance (2). Last evaluated 2025-09-04.

Conditions:
Inborn genetic diseases. Identifiers: MedGen C0950123, MeSH D030342.
Familial cold autoinflammatory syndrome 2 (FCAS2). Identifiers: Orphanet 247868, MedGen C2673198, MONDO:0012724, OMIM 611762.

Allele frequency attached by ClinVar (database versions not stated): gnomAD 0.00001 and 0.00002; TOPMed 0.00001; gnomAD exomes 0.00002 and 0.00003; ExAC 0.00003.
gnomAD v4.1: 32 of 1,613,898 alleles (0.002%); highest among the groups gnomAD compares: South Asian, 0.021%; no homozygotes.

Submissions (2):

Labcorp Genetics (formerly Invitae), Labcorp
Classification: Uncertain significance for Familial cold autoinflammatory syndrome 2. Last evaluated: 2025-09-04. Review status: criteria provided, single submitter. Criteria: Invitae Variant Classification Sherloc (09022015). Collection method: clinical testing. Allele origin: germline.
Comment: This sequence change replaces arginine, which is basic and polar, with tryptophan, which is neutral and slightly polar, at codon 924 of the NLRP12 protein (p.Arg924Trp). This variant is present in population databases (rs761231693, gnomAD 0.02%). This variant has not been reported in the literature in individuals affected with NLRP12-related conditions. ClinVar contains an entry for this variant (Variation ID: 1041336). Invitae Evidence Modeling of protein sequence and biophysical properties (such as structural, functional, and spatial information, amino acid conservation, physicochemical variation, residue mobility, and thermodynamic stability) has been performed for this missense variant. However, the output from this modeling did not meet the statistical confidence thresholds required to predict the impact of this variant on NLRP12 protein function. In summary, the available evidence is currently insufficient to determine the role of this variant in disease. Therefore, it has been classified as a Variant of Uncertain Significance.

Ambry Genetics
Classification: Uncertain significance for Inborn genetic diseases. Last evaluated: 2025-08-28. Review status: criteria provided, single submitter. Criteria: Ambry Variant Classification Scheme 2023. Collection method: clinical testing. Allele origin: germline.